The following is an entry in ClinVar:

ClinVar aggregate classification (germline): Conflicting classifications of pathogenicity. Review status: criteria provided, conflicting classifications (1 of 4 stars). 3 submissions from 3 submitters: Uncertain significance (2); Likely benign (1). Last evaluated 2025-04-13.

Conditions:
Hereditary cancer-predisposing syndrome. Also called: Hereditary Cancer Syndrome; Hereditary neoplastic syndrome; Neoplastic Syndromes, Hereditary; Tumor predisposition. Identifiers: Orphanet 140162, MedGen C0027672, MeSH D009386, MONDO:0015356.
Hereditary breast ovarian cancer syndrome. Also called: Hereditary breast and ovarian cancer; Breast and ovarian cancer; Hereditary breast and ovarian cancer syndrome; Hereditary breast and/or ovarian cancer syndrome; BRCA1- and BRCA2-Associated Hereditary Breast and Ovarian Cancer; Hereditary breast and ovarian cancer syndrome (HBOC). Identifiers: Orphanet 145, MedGen C0677776, MeSH D061325, MONDO:0003582. Disease mechanism: loss of function.

gnomAD v4.1: 1 of 1,608,556 alleles (0.000062%); highest among the groups gnomAD compares: Non-Finnish European, 0.000085%; no homozygotes.

Submissions (3):

Ambry Genetics
Classification: Uncertain significance for Hereditary cancer-predisposing syndrome. Last evaluated: 2025-04-13. Review status: criteria provided, single submitter. Criteria: Ambry Variant Classification Scheme 2023. Collection method: clinical testing. Allele origin: germline.
Comment: The p.T431K variant (also known as c.1292C>A), located in coding exon 9 of the BRCA2 gene, results from a C to A substitution at nucleotide position 1292. The threonine at codon 431 is replaced by lysine, an amino acid with similar properties. This variant was not reported in population based cohorts in the following databases: Database of Single Nucleotide Polymorphisms (dbSNP), NHLBI Exome Sequencing Project (ESP), and 1000 Genomes Project. In the ESP, this variant was not observed in 6499 samples (12998 alleles) with coverage at this position. To date, this alteration has been detected with an allele frequency of approximately 0.0003%(greater than 300000 alleles tested) in our clinical cohort. This amino acid position is not well conserved in available vertebrate species. In addition, this alteration is predicted to be tolerated by in silico analysis. Since supporting evidence is limited at this time, the clinical significance of this alteration remains unclear.

University of Washington Department of Laboratory Medicine, University of Washington
Classification: Likely benign for Hereditary cancer-predisposing syndrome. Last evaluated: 2023-03-23. Review status: criteria provided, single submitter. Criteria: Dines et al. (Genet Med. 2020). Collection method: curation. Allele origin: germline.
Comment: Missense variant in a coldspot region where missense variants are very unlikely to be pathogenic (PMID:31911673).

BRCA2 exon 10 coldspot. Reclassification based on statistical prior probability.

Labcorp Genetics (formerly Invitae), Labcorp
Classification: Uncertain significance for Hereditary breast ovarian cancer syndrome. Last evaluated: 2021-10-01. Review status: criteria provided, single submitter. Criteria: Invitae Variant Classification Sherloc (09022015). Collection method: clinical testing. Allele origin: germline.
Comment: This variant is not present in population databases (ExAC no frequency). In summary, the available evidence is currently insufficient to determine the role of this variant in disease. Therefore, it has been classified as a Variant of Uncertain Significance. Advanced modeling of protein sequence and biophysical properties (such as structural, functional, and spatial information, amino acid conservation, physicochemical variation, residue mobility, and thermodynamic stability) performed at Invitae indicates that this missense variant is not expected to disrupt BRCA2 protein function. ClinVar contains an entry for this variant (Variation ID: 441343). This variant has not been reported in the literature in individuals affected with BRCA2-related conditions. This sequence change replaces threonine with lysine at codon 431 of the BRCA2 protein (p.Thr431Lys). The threonine residue is weakly conserved and there is a moderate physicochemical difference between threonine and lysine.

NM_000059.4(BRCA2):c.1292C>A (p.Thr431Lys)

Gene: BRCA2 (BRCA2 DNA repair associated; plus strand). Cytogenetic location: 13q13.1.
Variant type: single nucleotide variant.
Coding change: c.1292C>A on transcript NM_000059.4 (MANE Select); coding-DNA position 1292, C replaced by A.
Protein change: p.Thr431Lys; replaces threonine 431 with lysine.
Molecular consequence: missense variant.
Genome position (GRCh38, 1-based): chr13:32,332,770, C>A. VCF-style: chr13-32332770-C-A. GRCh37 (hg19) VCF-style: chr13-32906907-C-A.
Other names: short protein forms T431K.
Identifiers: ClinVar variation 441343 (VCV000441343.12), dbSNP rs876660828, ClinGen allele CA387762486.
Genomic context (GRCh38, chr13:32,332,770, plus strand): 5'-TACCCCTATTGCATATTTCTTCATGTGACCAAAATATTTCAGAAAAAGACCTATTAGACA[C>A]AGAGAACAAAAGAAAGAAAGATTTTCTTACTTCAGAGAATTCTTTGCCACGTATTTCTAG-3'
Protein context (NP_000050.3, residues 421-441): QNISEKDLLD[Thr431Lys]ENKRKKDFLT